The following is an entry in ClinVar:

NM_020822.3(KCNT1):c.156del (p.Phe52fs)

Gene: KCNT1 (potassium sodium-activated channel subfamily T member 1; plus strand). Cytogenetic location: 9q34.3.
Variant type: Deletion.
Coding change: c.156del on transcript NM_020822.3 (MANE Select); coding-DNA position 156, one base deleted (C; older notation c.156delC).
Protein change: p.Phe52fs; shifts the reading frame from phenylalanine 52.
Molecular consequence: frameshift variant. On other transcripts: intron variant (1).
Genome position (GRCh38, 1-based): chr9:135,714,622, C deleted. VCF-style (leftmost placement, unchanged base first): chr9-135714621-TC-T. GRCh37 (hg19) VCF-style: chr9-138606467-TC-T.
Other names: c.110+12254del (NM_001272003.2); short protein forms F52fs.
Identifiers: ClinVar variation 3756248 (VCV003756248.2).

ClinVar aggregate classification (germline): Uncertain significance (1 of 4 stars; one submission).

Conditions:
Autosomal dominant nocturnal frontal lobe epilepsy 5. Also called: KCNT1-Related Epilepsy; CILIARY DYSKINESIA, PRIMARY, 28, WITHOUT SITUS INVERSUS; CILIARY DYSKINESIA, PRIMARY, 28, WITH SITUS INVERSUS; Epilepsy, nocturnal frontal lobe, 5. Identifiers: Orphanet 98784, MedGen C3554306, MONDO:0014002, OMIM 615005.
Developmental and epileptic encephalopathy, 14 (DEE14). Also called: Early infantile epileptic encephalopathy 14. Identifiers: Orphanet 293181, MedGen C3554195, MONDO:0013989, OMIM 614959.

Submission:

Labcorp Genetics (formerly Invitae), Labcorp
Classification: Uncertain significance for Autosomal dominant nocturnal frontal lobe epilepsy 5; Developmental and epileptic encephalopathy, 14. Last evaluated: 2024-05-17. Review status: criteria provided, single submitter. Criteria: Invitae Variant Classification Sherloc (09022015). Collection method: clinical testing. Allele origin: germline.
Comment: This sequence change creates a premature translational stop signal (p.Phe52Leufs*3) in the KCNT1 gene. It is expected to result in an absent or disrupted protein product. However, the current clinical and genetic evidence is not sufficient to establish whether loss-of-function variants in KCNT1 cause disease. This variant is not present in population databases (gnomAD no frequency). This premature translational stop signal has been observed in individual(s) with clinical features of KCNT1-related conditions (Invitae). In summary, the available evidence is currently insufficient to determine the role of this variant in disease. Therefore, it has been classified as a Variant of Uncertain Significance.